The following is an entry in ClinVar:

NM_021098.3(CACNA1H):c.233C>A (p.Thr78Lys)

Gene: CACNA1H (calcium voltage-gated channel subunit alpha1 H; plus strand). Cytogenetic location: 16p13.3.
Variant type: single nucleotide variant.
Coding change: c.233C>A on transcript NM_021098.3 (MANE Select); coding-DNA position 233, C replaced by A.
Protein change: p.Thr78Lys; replaces threonine 78 with lysine.
Molecular consequence: missense variant.
Genome position (GRCh38, 1-based): chr16:1,153,970, C>A. VCF-style: chr16-1153970-C-A. GRCh37 (hg19) VCF-style: chr16-1203970-C-A.
Other names: c.233C>A, p.Thr78Lys (NM_001005407.2); short protein forms T78K.
Identifiers: ClinVar variation 1698269 (VCV001698269.8), dbSNP rs1473122688, ClinGen allele CA394145900.
Genomic context (GRCh38, chr16:1,153,970, plus strand): 5'-GCGGCGCGGAGCTGGGTGCCGACGAGGAGCAGCGCGTCCCGTACCCGGCCTTGGCGGCCA[C>A]GGTCTTCTTCTGCCTCGGTCAGACCACGCGGCCGCGCAGCTGGTGCCTCCGGCTGGTCTG-3'
Protein context (NP_066921.2, residues 68-88): QRVPYPALAA[Thr78Lys]VFFCLGQTTR

ClinVar aggregate classification (germline): Uncertain significance. Review status: criteria provided, multiple submitters, no conflicts (2 of 4 stars). 3 submissions from 3 submitters: Uncertain significance (3). Last evaluated 2026-02-03.

Conditions:
Hyperaldosteronism, familial, type IV (HALD4). Also called: FH IV; ALDOSTERONISM, PRIMARY, AND HYPERTENSION. Identifiers: Orphanet 642671, MedGen C4310756, MONDO:0014875, OMIM 617027.
Idiopathic generalized epilepsy. Also called: EIG; Generalised epilepsy. Identifiers: MedGen C0270850, MONDO:0005579, OMIM 600669.
Inborn genetic diseases. Identifiers: MedGen C0950123, MeSH D030342.

gnomAD v4.1: 1 of 1,447,932 alleles (0.000069%); highest among the groups gnomAD compares: Non-Finnish European, 0.000091%; no homozygotes.

Submissions (3):

Labcorp Genetics (formerly Invitae), Labcorp
Classification: Uncertain significance for Idiopathic generalized epilepsy; Hyperaldosteronism, familial, type IV. Last evaluated: 2026-02-03. Review status: criteria provided, single submitter. Criteria: Invitae Variant Classification Sherloc (09022015). Collection method: clinical testing. Allele origin: germline.
Comment: This sequence change replaces threonine, which is neutral and polar, with lysine, which is basic and polar, at codon 78 of the CACNA1H protein (p.Thr78Lys). This variant is not present in population databases (gnomAD no frequency). This variant has not been reported in the literature in individuals affected with CACNA1H-related conditions. ClinVar contains an entry for this variant (Variation ID: 1698269). Invitae Evidence Modeling of protein sequence and biophysical properties (such as structural, functional, and spatial information, amino acid conservation, physicochemical variation, residue mobility, and thermodynamic stability) indicates that this missense variant is not expected to disrupt CACNA1H protein function with a negative predictive value of 80%. In summary, the available evidence is currently insufficient to determine the role of this variant in disease. Therefore, it has been classified as a Variant of Uncertain Significance.

Ambry Genetics
Classification: Uncertain significance for Inborn genetic diseases. Last evaluated: 2024-09-02. Review status: criteria provided, single submitter. Criteria: Ambry Variant Classification Scheme 2023. Collection method: clinical testing. Allele origin: germline.

GeneDx
Classification: Uncertain significance. Last evaluated: 2022-01-21. Review status: criteria provided, single submitter. Criteria: GeneDx Variant Classification Process June 2021. Collection method: clinical testing. Allele origin: germline. Affected: yes.
Comment: Not observed at significant frequency in large population cohorts (gnomAD); In silico analysis supports that this missense variant does not alter protein structure/function; Has not been previously published as pathogenic or benign to our knowledge